The following is an entry in ClinVar:

NM_002075.4(GNB3):c.455T>C (p.Leu152Pro)

Gene: GNB3 (G protein subunit beta 3; plus strand). Cytogenetic location: 12p13.31.
Variant type: single nucleotide variant.
Coding change: c.455T>C on transcript NM_002075.4 (MANE Select); coding-DNA position 455, T replaced by C.
Protein change: p.Leu152Pro; replaces leucine 152 with proline.
Molecular consequence: missense variant.
Genome position (GRCh38, 1-based): chr12:6,843,656, T>C. VCF-style: chr12-6843656-T-C. GRCh37 (hg19) VCF-style: chr12-6952820-T-C.
Other names: c.455T>C, p.Leu152Pro (NM_001297571.2); short protein forms L152P.
Identifiers: ClinVar variation 1503649 (VCV001503649.8), dbSNP rs2137984109, ClinGen allele CA383672854.

ClinVar aggregate classification (germline): Uncertain significance (1 of 4 stars; one submission).

Submission:

Labcorp Genetics (formerly Invitae), Labcorp
Classification: Uncertain significance. Last evaluated: 2022-02-13. Review status: criteria provided, single submitter. Criteria: Invitae Variant Classification Sherloc (09022015). Collection method: clinical testing. Allele origin: germline.
Comment: This sequence change replaces leucine, which is neutral and non-polar, with proline, which is neutral and non-polar, at codon 152 of the GNB3 protein (p.Leu152Pro). In summary, the available evidence is currently insufficient to determine the role of this variant in disease. Therefore, it has been classified as a Variant of Uncertain Significance. Algorithms developed to predict the effect of missense changes on protein structure and function are either unavailable or do not agree on the potential impact of this missense change (SIFT: "Deleterious"; PolyPhen-2: "Benign"; Align-GVGD: "Class C0"). This variant has not been reported in the literature in individuals affected with GNB3-related conditions. This variant is not present in population databases (gnomAD no frequency).